The following is an entry in ClinVar:

NM_003482.4(KMT2D):c.14095A>G (p.Ser4699Gly)

Gene: KMT2D (lysine methyltransferase 2D; minus strand). Cytogenetic location: 12q13.12.
Variant type: single nucleotide variant.
Coding change: c.14095A>G on transcript NM_003482.4 (MANE Select); coding-DNA position 14095, A replaced by G.
Protein change: p.Ser4699Gly; replaces serine 4699 with glycine.
Molecular consequence: missense variant.
Genome position (GRCh38, 1-based): chr12:49,029,217, T>C on the plus strand (A>G on the coding strand, the complement: KMT2D is on the minus strand). VCF-style: chr12-49029217-T-C. GRCh37 (hg19) VCF-style: chr12-49423000-T-C.
Other names: short protein forms S4699G.
Identifiers: ClinVar variation 2856738 (VCV002856738.3), dbSNP rs2120394297, ClinGen allele CA384697795.

ClinVar aggregate classification (germline): Uncertain significance (1 of 4 stars; one submission).

Conditions:
Kabuki syndrome. Also called: Kabuki make-up syndrome; NIIKAWA-KUROKI SYNDROME. Identifiers: Orphanet 2322, MedGen C0796004, MONDO:0016512.

Submission:

Labcorp Genetics (formerly Invitae), Labcorp
Classification: Uncertain significance for Kabuki syndrome. Last evaluated: 2023-04-15. Review status: criteria provided, single submitter. Criteria: Invitae Variant Classification Sherloc (09022015). Collection method: clinical testing. Allele origin: germline.
Comment: This sequence change replaces serine, which is neutral and polar, with glycine, which is neutral and non-polar, at codon 4699 of the KMT2D protein (p.Ser4699Gly). This variant is not present in population databases (gnomAD no frequency). This variant has not been reported in the literature in individuals affected with KMT2D-related conditions. Advanced modeling of protein sequence and biophysical properties (such as structural, functional, and spatial information, amino acid conservation, physicochemical variation, residue mobility, and thermodynamic stability) performed at Invitae indicates that this missense variant is not expected to disrupt KMT2D protein function. In summary, the available evidence is currently insufficient to determine the role of this variant in disease. Therefore, it has been classified as a Variant of Uncertain Significance.